The following is an entry in ClinVar:

ClinVar aggregate classification (germline): Uncertain significance (1 of 4 stars; one submission).

Conditions:
Hereditary diffuse gastric adenocarcinoma (HDGC). Also called: DIFFUSE GASTRIC AND LOBULAR BREAST CANCER SYNDROME. Identifiers: Orphanet 26106, MedGen C1708349, MONDO:0007648, OMIM 137215.

Submission:

Labcorp Genetics (formerly Invitae), Labcorp
Classification: Uncertain significance for Hereditary diffuse gastric adenocarcinoma. Last evaluated: 2025-05-21. Review status: criteria provided, single submitter. Criteria: Invitae Variant Classification Sherloc (09022015). Collection method: clinical testing. Allele origin: germline.
Comment: This sequence change replaces glycine, which is neutral and non-polar, with arginine, which is basic and polar, at codon 169 of the CDH1 protein (p.Gly169Arg). This variant is not present in population databases (gnomAD no frequency). This variant has not been reported in the literature in individuals affected with CDH1-related conditions. An algorithm developed to predict the effect of missense changes on protein structure and function (PolyPhen-2) suggests that this variant is likely to be disruptive. In summary, the available evidence is currently insufficient to determine the role of this variant in disease. Therefore, it has been classified as a Variant of Uncertain Significance.

NM_004360.5(CDH1):c.505G>C (p.Gly169Arg)

Gene: CDH1 (cadherin 1; plus strand). Cytogenetic location: 16q22.1.
Variant type: single nucleotide variant.
Coding change: c.505G>C on transcript NM_004360.5 (MANE Select); coding-DNA position 505, G replaced by C.
Protein change: p.Gly169Arg; replaces glycine 169 with arginine.
Molecular consequence: missense variant. On other transcripts: 5 prime UTR variant (2).
Genome position (GRCh38, 1-based): chr16:68,808,541, G>C. VCF-style: chr16-68808541-G-C. GRCh37 (hg19) VCF-style: chr16-68842444-G-C.
Other names: c.505G>C, p.Gly169Arg (NM_001317184.2); c.-1111G>C (NM_001317185.2); c.-1315G>C (NM_001317186.2); short protein forms G169R.
Identifiers: ClinVar variation 4719714 (VCV004719714.1).
Genomic context (GRCh38, chr16:68,808,541, plus strand): 5'-CTCAGAAGACAGAAGAGAGACTGGGTTATTCCTCCCATCAGCTGCCCAGAAAATGAAAAA[G>C]GCCCATTTCCTAAAAACCTGGTTCAGGTAGAGAAAGAAGTTCTCTGTTTCTCTGGGAGGG-3'
Protein context (NP_004351.1, residues 159-179): PPISCPENEK[Gly169Arg]PFPKNLVQIK